The following is an entry in ClinVar:

NM_001080449.3(DNA2):c.1141G>A (p.Ala381Thr)

Gene: DNA2 (DNA replication helicase/nuclease 2; minus strand). Cytogenetic location: 10q21.3.
Variant type: single nucleotide variant.
Coding change: c.1141G>A on transcript NM_001080449.3 (MANE Select); coding-DNA position 1141, G replaced by A.
Protein change: p.Ala381Thr; replaces alanine 381 with threonine.
Molecular consequence: missense variant. On other transcripts: non-coding transcript variant (1).
Genome position (GRCh38, 1-based): chr10:68,445,000, C>T on the plus strand (G>A on the coding strand, the complement: DNA2 is on the minus strand). VCF-style: chr10-68445000-C-T. GRCh37 (hg19) VCF-style: chr10-70204757-C-T.
Other names: short protein forms A381T.
Identifiers: ClinVar variation 3688754 (VCV003688754.2).
Genomic context (GRCh38, chr10:68,445,000, plus strand): 5'-TGCCAATTTGTGAACAATATTTACAAGTTTTCTCTTCCTCAATTATTTGTGGCAAAGAAG[C>T]AAGCTGTGTCTTCTGTCTAGTAGCAGATTTGCTAATACGGTGAAACAATGAGAATGCCAT-3'
Protein context (NP_001073918.2, residues 371-391): KSATRQKTQL[Ala381Thr]SLPQIIEEEK

ClinVar aggregate classification (germline): Uncertain significance (1 of 4 stars; one submission).

gnomAD v4.1: 1 of 1,613,382 alleles (0.000062%); no homozygotes.

Submission:

Labcorp Genetics (formerly Invitae), Labcorp
Classification: Uncertain significance. Last evaluated: 2024-03-27. Review status: criteria provided, single submitter. Criteria: Invitae Variant Classification Sherloc (09022015). Collection method: clinical testing. Allele origin: germline.
Comment: This sequence change replaces alanine, which is neutral and non-polar, with threonine, which is neutral and polar, at codon 381 of the DNA2 protein (p.Ala381Thr). This variant is not present in population databases (gnomAD no frequency). This variant has not been reported in the literature in individuals affected with DNA2-related conditions. Advanced modeling of protein sequence and biophysical properties (such as structural, functional, and spatial information, amino acid conservation, physicochemical variation, residue mobility, and thermodynamic stability) performed at Invitae indicates that this missense variant is not expected to disrupt DNA2 protein function with a negative predictive value of 80%. In summary, the available evidence is currently insufficient to determine the role of this variant in disease. Therefore, it has been classified as a Variant of Uncertain Significance.